The following is an entry in ClinVar:

ClinVar aggregate classification (germline): Pathogenic (1 of 4 stars; one submission).

Conditions:
DICER1-related tumor predisposition. Also called: DICER1-related pleuropulmonary blastoma cancer predisposition syndrome; DICER1 syndrome. Identifiers: Orphanet 284343, MedGen C3839822, MONDO:0100216.

Submission:

Labcorp Genetics (formerly Invitae), Labcorp
Classification: Pathogenic for DICER1-related tumor predisposition. Last evaluated: 2022-05-19. Review status: criteria provided, single submitter. Criteria: Invitae Variant Classification Sherloc (09022015). Collection method: clinical testing. Allele origin: germline.
Comment: For these reasons, this variant has been classified as Pathogenic. This sequence change creates a premature translational stop signal (p.Cys1604Alafs*16) in the DICER1 gene. It is expected to result in an absent or disrupted protein product. Loss-of-function variants in DICER1 are known to be pathogenic (PMID: 19556464, 21266384). This variant is not present in population databases (gnomAD no frequency). This variant has not been reported in the literature in individuals affected with DICER1-related conditions.

Literature cited by the submitters: PubMed 19556464; PubMed 21266384.

NM_177438.3(DICER1):c.4809del (p.Cys1604fs)

Gene: DICER1 (dicer 1, ribonuclease III; minus strand). Cytogenetic location: 14q32.13.
Variant type: Deletion.
Coding change: c.4809del on transcript NM_177438.3 (MANE Select); coding-DNA position 4809, one base deleted (G; older notation c.4809delG).
Protein change: p.Cys1604fs; shifts the reading frame from cysteine 1604.
Molecular consequence: frameshift variant. On other transcripts: non-coding transcript variant (6).
Genome position (GRCh38, 1-based): chr14:95,096,111, C deleted on the plus strand (G on the coding strand, the reverse complement: DICER1 is on the minus strand). VCF-style (leftmost placement, unchanged base first): chr14-95096110-AC-A. GRCh37 (hg19) VCF-style: chr14-95562447-AC-A.
Other names: c.4809del, p.Cys1604fs (NM_001195573.1, NM_001271282.3, NM_001291628.2 and 12 more transcripts); c.4809delG, p.Cys1604Alafs (NM_001395681.1); c.4527del, p.Cys1510fs (NM_001395686.1); c.4404del, p.Cys1469fs (NM_001395687.1, NM_001395688.1, NM_001395689.1 and 2 more transcripts); c.4242del, p.Cys1415fs (NM_001395691.1); c.3126del, p.Cys1043fs (NM_001395697.1); short protein forms C1510fs, C1469fs, C1043fs, C1415fs, C1604fs.
Identifiers: ClinVar variation 1996423 (VCV001996423.4), dbSNP rs2542485254, ClinGen allele CA2580088976.
Genomic context (GRCh38, chr14:95,096,110, plus strand): 5'-CAGCAGCACAGCTCACTGAAAGGTTCTTTTGTTGGCTGTTGAAATTCTCCCGAGTAGGGC[AC>A]AGGGCCTTTTCCCGATCAGTCCTTTTAATTACCGGGAGCACCTTCAGCCCCAGTGAACAG-3'